The following is an entry in ClinVar:

NM_001374259.2(IL12RB2):c.620G>A (p.Gly207Glu)

Gene: IL12RB2 (interleukin 12 receptor subunit beta 2; plus strand). Cytogenetic location: 1p31.3.
Variant type: single nucleotide variant.
Coding change: c.620G>A on transcript NM_001374259.2 (MANE Select); coding-DNA position 620, G replaced by A.
Protein change: p.Gly207Glu; replaces glycine 207 with glutamic acid.
Molecular consequence: missense variant. On other transcripts: non-coding transcript variant (2).
Genome position (GRCh38, 1-based): chr1:67,328,340, G>A. VCF-style: chr1-67328340-G-A. GRCh37 (hg19) VCF-style: chr1-67794023-G-A.
Other names: c.620G>A (NM_001559.2); c.620G>A, p.Gly207Glu (NM_001258214.1, NM_001258215.1, NM_001258216.1 and 2 more transcripts); short protein forms G207E.
Identifiers: ClinVar variation 1498419 (VCV001498419.9), dbSNP rs1558305828, ClinGen allele CA340733242.

ClinVar aggregate classification (germline): Uncertain significance. Review status: criteria provided, multiple submitters, no conflicts (2 of 4 stars). 2 submissions from 2 submitters: Uncertain significance (2). Last evaluated 2025-08-08.

Allele frequency attached by ClinVar (database versions not stated): gnomAD exomes below 0.00001; TOPMed below 0.00001.
gnomAD v4.1: 2 of 1,614,132 alleles (0.00012%); highest among the groups gnomAD compares: East Asian, 0.0022%; no homozygotes.

Submissions (2):

Ambry Genetics
Classification: Uncertain significance. Last evaluated: 2025-08-08. Review status: criteria provided, single submitter. Criteria: Ambry Variant Classification Scheme 2023. Collection method: clinical testing. Allele origin: germline.

Labcorp Genetics (formerly Invitae), Labcorp
Classification: Uncertain significance. Last evaluated: 2025-06-14. Review status: criteria provided, single submitter. Criteria: Invitae Variant Classification Sherloc (09022015). Collection method: clinical testing. Allele origin: germline.
Comment: This sequence change replaces glycine, which is neutral and non-polar, with glutamic acid, which is acidic and polar, at codon 207 of the IL12RB2 protein (p.Gly207Glu). This variant is not present in population databases (gnomAD no frequency). This variant has not been reported in the literature in individuals affected with IL12RB2-related conditions. ClinVar contains an entry for this variant (Variation ID: 1498419). An algorithm developed to predict the effect of missense changes on protein structure and function (PolyPhen-2) suggests that this variant is likely to be disruptive. In summary, the available evidence is currently insufficient to determine the role of this variant in disease. Therefore, it has been classified as a Variant of Uncertain Significance.